The following is an entry in ClinVar:

NM_004184.4(WARS1):c.313+7C>T

Gene: WARS1 (tryptophanyl-tRNA synthetase 1; minus strand). Cytogenetic location: 14q32.2.
Variant type: single nucleotide variant.
Coding change: c.313+7C>T on transcript NM_004184.4 (MANE Select); 7 bases into the intron after coding-DNA position 313, C replaced by T.
Molecular consequence: intron variant.
Genome position (GRCh38, 1-based): chr14:100,361,701, G>A on the plus strand (C>T on the coding strand, the complement: WARS1 is on the minus strand). VCF-style: chr14-100361701-G-A. GRCh37 (hg19) VCF-style: chr14-100828038-G-A.
Other names: p.?; c.190+7C>T (NM_213645.2, NM_213646.2); c.313+7C>T (NM_173701.2).
Identifiers: ClinVar variation 4683931 (VCV004683931.1).
Genomic context (GRCh38, chr14:100,361,701, plus strand): 5'-GGAATCAACTCAATGGGACCACTTCTAAAAGTTGCAGCTTTTTCTGGGAAGAAAGCAGAG[G>A]ACGTACCAATGAGCTTATCGTAGTCTATGCCTTTTGCACTGCTTGTCTGTACTGTCCATG-3'

ClinVar aggregate classification (germline): Likely benign (1 of 4 stars; one submission).

gnomAD v4.1: 85 of 1,613,518 alleles (0.0053%); highest among the groups gnomAD compares: Non-Finnish European, 0.007%; no homozygotes.

Submission:

Mayo Clinic Laboratories, Mayo Clinic
Classification: Likely benign. Last evaluated: 2025-10-11. Review status: criteria provided, single submitter. Criteria: ACMG Guidelines, 2015. Collection method: clinical testing. Allele origin: germline. Observed: 1 variant allele.
Comment: BP4, BP7